The following is an entry in ClinVar:

ClinVar aggregate classification (germline): Conflicting classifications of pathogenicity. Review status: criteria provided, conflicting classifications (1 of 4 stars). 6 submissions from 6 submitters: Uncertain significance (5); Likely benign (1). Last evaluated 2026-04-27.

Conditions:
MYH11-related disorder. Also called: MYH11-related condition.
Familial thoracic aortic aneurysm and aortic dissection (TAAD). Also called: Thoracic aortic aneurysms and dissections. Identifiers: Orphanet 91387, MedGen C4707243, MONDO:0019625.
Aortic aneurysm, familial thoracic 4 (AAT4). Also called: AORTIC ANEURYSM/AORTIC DISSECTION AND PATENT DUCTUS ARTERIOSUS. Identifiers: MedGen C1851504, MONDO:0007568, OMIM 132900.

Allele frequency attached by ClinVar (database versions not stated): ExAC 0.00002; gnomAD 0.00002 and 0.00003; gnomAD exomes 0.00003; TOPMed 0.00003.
gnomAD v4.1: 120 of 1,613,882 alleles (0.0074%); highest among the groups gnomAD compares: Non-Finnish European, 0.0098%; 1 homozygote.

Submissions (6):

PreventionGenetics, part of Exact Sciences
Classification: Uncertain significance for MYH11-related condition. Last evaluated: 2026-04-27. Review status: criteria provided, single submitter. Criteria: ACMG Guidelines, 2015. Collection method: clinical testing. Allele origin: germline.
Comment: The MYH11 c.5396G>A variant is predicted to result in the amino acid substitution p.Arg1799Gln. To our knowledge, this variant has not been reported in the literature. This variant is reported in 0.0062% of alleles in individuals of African descent in gnomAD. At this time, the clinical significance of this variant is uncertain due to the absence of conclusive functional and genetic evidence.

Labcorp Genetics (formerly Invitae), Labcorp
Classification: Uncertain significance for Aortic aneurysm, familial thoracic 4. Last evaluated: 2026-02-04. Review status: criteria provided, single submitter. Criteria: Invitae Variant Classification Sherloc (09022015). Collection method: clinical testing. Allele origin: germline.
Comment: This sequence change replaces arginine, which is basic and polar, with glutamine, which is neutral and polar, at codon 1799 of the MYH11 protein (p.Arg1799Gln). This variant is present in population databases (rs751495086, gnomAD 0.007%). This variant has not been reported in the literature in individuals affected with MYH11-related conditions. ClinVar contains an entry for this variant (Variation ID: 201084). Invitae Evidence Modeling of protein sequence and biophysical properties (such as structural, functional, and spatial information, amino acid conservation, physicochemical variation, residue mobility, and thermodynamic stability) indicates that this missense variant is not expected to disrupt MYH11 protein function with a negative predictive value of 95%. In summary, the available evidence is currently insufficient to determine the role of this variant in disease. Therefore, it has been classified as a Variant of Uncertain Significance.

Color Diagnostics, LLC DBA Color Health
Classification: Likely benign for Familial thoracic aortic aneurysm and aortic dissection. Last evaluated: 2025-11-10. Review status: criteria provided, single submitter. Criteria: ACMG Guidelines, 2015. Collection method: clinical testing. Allele origin: germline.

All of Us Research Program, National Institutes of Health
Classification: Uncertain significance for Familial thoracic aortic aneurysm and aortic dissection. Last evaluated: 2024-05-14. Review status: criteria provided, single submitter. Criteria: ACMG Guidelines, 2015. Collection method: clinical testing. Allele origin: germline. Inheritance: Autosomal dominant inheritance. Observed: 13 variant alleles, 13 heterozygotes.
Comment: Variant of Uncertain Significance due to insufficient evidence: This missense variant replaces arginine with glutamine at codon 1799 of the MYH11 protein. Computational prediction tools and conservation analyses are inconclusive regarding the impact of this variant on the protein function. Computational splicing tools suggest that this variant may not impact RNA splicing. To our knowledge, functional assays have not been performed for this variant nor has this variant been reported in individuals affected with cardiovascular disorders in the literature. This variant has been identified in 7/245908 chromosomes in the general population by the Genome Aggregation Database (gnomAD). Available evidence is insufficient to determine the role of this variant in disease conclusively.

This study involves interpretation of variants in research participants for the purpose of population health screening. Participant phenotype was not available at the time of variant classification. Additional details can be found in publication PMID: 35346344, PMCID: PMC8962531

GeneDx
Classification: Uncertain significance. Last evaluated: 2024-05-08. Review status: criteria provided, single submitter. Criteria: GeneDx Variant Classification Process June 2021. Collection method: clinical testing. Allele origin: germline. Affected: yes.
Comment: Has not been previously published as pathogenic or benign to our knowledge; In silico analysis supports that this missense variant has a deleterious effect on protein structure/function; This variant is associated with the following publications: (PMID: 18798114)

Ambry Genetics
Classification: Uncertain significance for Familial thoracic aortic aneurysm and aortic dissection. Last evaluated: 2022-11-27. Review status: criteria provided, single submitter. Criteria: Ambry Variant Classification Scheme 2023. Collection method: clinical testing. Allele origin: germline.
Comment: The p.R1792Q variant (also known as c.5375G>A), located in coding exon 37 of the MYH11 gene, results from a G to A substitution at nucleotide position 5375. The arginine at codon 1792 is replaced by glutamine, an amino acid with highly similar properties, and is located in the coiled coil domain. This amino acid position is highly conserved in available vertebrate species. In addition, the in silico prediction for this alteration is inconclusive. Since supporting evidence is limited at this time, the clinical significance of this alteration remains unclear.

NM_002474.3(MYH11):c.5375G>A (p.Arg1792Gln)

Genes: MYH11 (myosin heavy chain 11; minus strand), NDE1 (nudE neurodevelopment protein 1; plus strand). Cytogenetic location: 16p13.11.
Variant type: single nucleotide variant.
Coding change: c.5375G>A on transcript NM_002474.3 (MANE Select); coding-DNA position 5375, G replaced by A.
Protein change: p.Arg1792Gln; replaces arginine 1792 with glutamine.
Molecular consequence: missense variant. On other transcripts: intron variant (2).
Genome position (GRCh38, 1-based): chr16:15,717,269, C>T on the plus strand (G>A on the coding strand, the complement: MYH11 is on the minus strand). VCF-style: chr16-15717269-C-T. GRCh37 (hg19) VCF-style: chr16-15811126-C-T.
Other names: p.R1792Q:CGG>CAG; c.5396G>A, p.Arg1799Gln (NM_001040113.2, NM_001040114.2); c.5375G>A, p.Arg1792Gln (NM_022844.3); c.948-6922C>T (NM_001143979.2, NM_017668.3); short protein forms R1792Q, R1799Q.
Identifiers: ClinVar variation 201084 (VCV000201084.20), dbSNP rs751495086, ClinGen allele CA306595.
Genomic context (GRCh38, chr16:15,717,269, plus strand): 5'-AACTTGGACTTGACGGCCCCCTCCATCTCGTGGAGCTTGCTCCGGAGCTCCTTGTTCTGC[C>T]GCTCGAGCTGCTGCCGGGCACTCTCATTCTTCTGGGCCGTGCTGCGCTCTGTGGCCAGCT-3'
Protein context (NP_002465.1, residues 1782-1802): KNESARQQLE[Arg1792Gln]QNKELRSKLH